The following is an entry in ClinVar:

ClinVar aggregate classification (germline): Uncertain significance. Review status: criteria provided, multiple submitters, no conflicts (2 of 4 stars). 2 submissions from 2 submitters: Uncertain significance (2). Last evaluated 2021-12-27.

Conditions:
Autosomal recessive nonsyndromic hearing loss 93. Also called: Deafness, autosomal recessive 93. Identifiers: Orphanet 90636, MedGen C3888355, MONDO:0013963, OMIM 614899.

Allele frequency attached by ClinVar (database versions not stated): TOPMed 0.00002; gnomAD 0.00003; gnomAD exomes 0.00003 and 0.00006.

Submissions (2):

Fulgent Genetics
Classification: Uncertain significance for Autosomal recessive nonsyndromic hearing loss 93. Last evaluated: 2021-12-27. Review status: criteria provided, single submitter. Criteria: ACMG Guidelines, 2015. Collection method: clinical testing. Allele origin: unknown.

GeneDx
Classification: Uncertain significance. Last evaluated: 2020-02-01. Review status: criteria provided, single submitter. Criteria: GeneDx Variant Classification Process June 2021. Collection method: clinical testing. Allele origin: germline. Affected: yes.
Comment: Initiation codon variant in a gene for which loss-of-function is a known mechanism of disease; Has not been previously published as pathogenic or benign to our knowledge

NM_016366.3(CABP2):c.3G>A (p.Met1Ile)

Gene: CABP2 (calcium binding protein 2; minus strand). Cytogenetic location: 11q13.2.
Variant type: single nucleotide variant.
Coding change: c.3G>A on transcript NM_016366.3 (MANE Select); coding-DNA position 3, G replaced by A.
Protein change: p.Met1Ile; changes the start codon (methionine 1).
Molecular consequence: missense variant, initiator codon variant. On other transcripts: nonsense (1).
Genome position (GRCh38, 1-based): chr11:67,523,324, C>T on the plus strand (G>A on the coding strand, the complement: CABP2 is on the minus strand). VCF-style: chr11-67523324-C-T. GRCh37 (hg19) VCF-style: chr11-67290795-C-T.
Other names: c.17G>A, p.Trp6Ter (NM_001318496.2); short protein forms M1I, W6*.
Identifiers: ClinVar variation 1303918 (VCV001303918.4), dbSNP rs1354716315, ClinGen allele CA381520471.